The following is an entry in ClinVar:

NM_138615.3(DHX30):c.1234C>T (p.Arg412Cys)

Gene: DHX30 (DExH-box helicase 30; plus strand). Cytogenetic location: 3p21.31.
Variant type: single nucleotide variant.
Coding change: c.1234C>T on transcript NM_138615.3 (MANE Select); coding-DNA position 1234, C replaced by T.
Protein change: p.Arg412Cys; replaces arginine 412 with cysteine.
Molecular consequence: missense variant.
Genome position (GRCh38, 1-based): chr3:47,846,306, C>T. VCF-style: chr3-47846306-C-T. GRCh37 (hg19) VCF-style: chr3-47887796-C-T.
Other names: c.1150C>T, p.Arg384Cys (NM_001330990.2); c.1117C>T, p.Arg373Cys (NM_014966.4); short protein forms R384C, R412C, R373C.
Identifiers: ClinVar variation 2494250 (VCV002494250.5), dbSNP rs746131207, ClinGen allele CA2369878.

ClinVar aggregate classification (germline): Uncertain significance. Review status: criteria provided, multiple submitters, no conflicts (2 of 4 stars). 4 submissions from 4 submitters: Uncertain significance (4). Last evaluated 2025-07-31.

Conditions:
Inborn genetic diseases. Identifiers: MedGen C0950123, MeSH D030342.
DHX30-related disorder. Also called: DHX30-related condition.
Neurodevelopmental disorder with severe motor impairment and absent language. Also called: NEURODEVELOPMENTAL DISORDER WITH VARIABLE MOTOR AND LANGUAGE IMPAIRMENT. Identifiers: Orphanet 647788, MedGen C4540496, MONDO:0060622, OMIM 617804.

Allele frequency attached by ClinVar (database versions not stated): ExAC 0.00001; gnomAD exomes 0.00001; TOPMed 0.00002.
gnomAD v4.1: 16 of 1,614,234 alleles (0.00099%); highest among the groups gnomAD compares: Middle Eastern, 0.15%; 1 homozygote.

Submissions (4):

PreventionGenetics, part of Exact Sciences
Classification: Uncertain significance for DHX30-related condition. Last evaluated: 2025-07-31. Review status: criteria provided, single submitter. Criteria: ACMG Guidelines, 2015. Collection method: clinical testing. Allele origin: germline.
Comment: The DHX30 c.1234C>T variant is predicted to result in the amino acid substitution p.Arg412Cys. To our knowledge, this variant has not been reported in the literature. This variant is reported in 0.0065% of alleles in individuals of South Asian descent in gnomAD. At this time, the clinical significance of this variant is uncertain due to the absence of conclusive functional and genetic evidence.

Genomic Medicine Center of Excellence, King Faisal Specialist Hospital and Research Centre
Classification: Uncertain significance for Neurodevelopmental disorder with severe motor impairment and absent language. Last evaluated: 2024-03-29. Review status: criteria provided, single submitter. Criteria: ACMG Guidelines, 2015. Collection method: clinical testing. Allele origin: germline.

Women's Health and Genetics/Laboratory Corporation of America, LabCorp
Classification: Uncertain significance. Last evaluated: 2023-09-05. Review status: criteria provided, single submitter. Criteria: LabCorp Variant Classification Summary - May 2015. Collection method: clinical testing. Allele origin: germline.
Comment: Variant summary: DHX30 c.1234C>T (p.Arg412Cys) results in a non-conservative amino acid change in the encoded protein sequence. Four of five in-silico tools predict a damaging effect of the variant on protein function. The variant allele was found at a frequency of 8e-06 in 251324 control chromosomes (gnomAD). The available data on variant occurrences in the general population are insufficient to allow any conclusion about variant significance. To our knowledge, no occurrence of c.1234C>T in individuals affected with Neurodevelopmental Disorder With Severe Motor Impairment And Absent Language and no experimental evidence demonstrating its impact on protein function have been reported. One submitter has cited clinical-significance assessments for this variant to ClinVar after 2014 and has classified the variant as uncertain significance. Based on the evidence outlined above, the variant was classified as uncertain significance.

Ambry Genetics
Classification: Uncertain significance for Inborn genetic diseases. Last evaluated: 2023-03-06. Review status: criteria provided, single submitter. Criteria: Ambry Variant Classification Scheme 2023. Collection method: clinical testing. Allele origin: germline.